The following is an entry in ClinVar:

ClinVar aggregate classification (germline): Likely pathogenic (1 of 4 stars; one submission).

Submission:

GeneDx
Classification: Likely pathogenic. Last evaluated: 2024-01-24. Review status: criteria provided, single submitter. Criteria: GeneDx Variant Classification Process June 2021. Collection method: clinical testing. Allele origin: germline. Affected: yes.
Comment: Not observed at significant frequency in large population cohorts (gnomAD); In silico analysis supports that this missense variant has a deleterious effect on protein structure/function; Missense variants in this gene are a common cause of disease and they are underrepresented in the general population; Has not been previously published as pathogenic or benign to our knowledge

NM_004333.6(BRAF):c.1099C>G (p.Pro367Ala)

Genes: BRAF (B-Raf proto-oncogene, serine/threonine kinase; minus strand), LOC126860202 (BRD4-independent group 4 enhancer GRCh37_chr7:140493623-140494822; plus strand). Cytogenetic location: 7q34.
Variant type: single nucleotide variant.
Coding change: c.1099C>G on transcript NM_004333.6 (MANE Select); coding-DNA position 1099, C replaced by G.
Protein change: p.Pro367Ala; replaces proline 367 with alanine.
Molecular consequence: missense variant.
Genome position (GRCh38, 1-based): chr7:140,794,349, G>C on the plus strand (C>G on the coding strand, the complement: BRAF is on the minus strand). VCF-style: chr7-140794349-G-C. GRCh37 (hg19) VCF-style: chr7-140494149-G-C.
Other names: c.1099C>G, p.Pro367Ala (NM_001354609.2, NM_001374244.1, NM_001374258.1 and 4 more transcripts); c.1108C>G, p.Pro370Ala (NM_001378467.1); c.997C>G, p.Pro333Ala (NM_001378470.1); c.943C>G, p.Pro315Ala (NM_001378472.1, NM_001378473.1); c.835C>G, p.Pro279Ala (NM_001378475.1); short protein forms P279A, P315A, P333A, P367A, P370A.
Identifiers: ClinVar variation 3338728 (VCV003338728.1).